The following is an entry in ClinVar:

NM_201384.3(PLEC):c.2740T>C (p.Phe914Leu)

Gene: PLEC (plectin; minus strand). Cytogenetic location: 8q24.3.
Variant type: single nucleotide variant.
Coding change: c.2740T>C on transcript NM_201384.3 (MANE Select); coding-DNA position 2740, T replaced by C.
Protein change: p.Phe914Leu; replaces phenylalanine 914 with leucine.
Molecular consequence: missense variant.
Genome position (GRCh38, 1-based): chr8:143,929,829, A>G on the plus strand (T>C on the coding strand, the complement: PLEC is on the minus strand). VCF-style: chr8-143929829-A-G. GRCh37 (hg19) VCF-style: chr8-145003997-A-G.
Other names: c.2821T>C, p.Phe941Leu (NM_000445.5, NM_001410941.1); c.2698T>C, p.Phe900Leu (NM_201378.4); c.2674T>C, p.Phe892Leu (NM_201379.3); c.3151T>C, p.Phe1051Leu (NM_201380.4); c.2644T>C, p.Phe882Leu (NM_201381.3); c.2740T>C, p.Phe914Leu (NM_201382.4); c.2752T>C, p.Phe918Leu (NM_201383.3); short protein forms F1051L, F882L, F892L, F900L, F914L, F918L, F941L.
Identifiers: ClinVar variation 3757073 (VCV003757073.3).

ClinVar aggregate classification (germline): Uncertain significance. Review status: criteria provided, multiple submitters, no conflicts (2 of 4 stars). 2 submissions from 2 submitters: Uncertain significance (2). Last evaluated 2024-08-22.

Conditions:
Epidermolysis bullosa simplex with nail dystrophy (EBS5D). Identifiers: MedGen C4225309, MONDO:0014661, OMIM 616487.
Epidermolysis bullosa simplex, Ogna type (EBS5A). Also called: Pidermolysis bullosa simplex 5A, Ogna type; EPIDERMOLYSIS BULLOSA SIMPLEX 5A, OGNA TYPE. Identifiers: Orphanet 79401, MedGen C0432317, MONDO:0007555, OMIM 131950.
Autosomal recessive limb-girdle muscular dystrophy type 2Q (LGMDR17). Also called: MUSCULAR DYSTROPHY, LIMB-GIRDLE, AUTOSOMAL RECESSIVE 17. Identifiers: Orphanet 254361, MedGen C3150989, MONDO:0013390, OMIM 613723.
Epidermolysis bullosa simplex 5B, with muscular dystrophy (EBS5B). Also called: EPIDERMOLYSIS BULLOSA SIMPLEX AND LIMB-GIRDLE MUSCULAR DYSTROPHY; Epidermolysis bullosa simplex with muscular dystrophy. Identifiers: Orphanet 257, MedGen C2931072, MONDO:0009181, OMIM 226670.
Epidermolysis bullosa simplex 5C, with pyloric atresia (EBS5C). Also called: PLEC-Related Epidermolysis Bullosa with Pyloric Atresia; Epidermolysis bullosa simplex with pyloric atresia; PLEC1-Related Epidermolysis Bullosa with Pyloric Atresia. Identifiers: Orphanet 158684, MedGen C2677349, MONDO:0012807, OMIM 612138.

Submissions (2):

Labcorp Genetics (formerly Invitae), Labcorp
Classification: Uncertain significance for Autosomal recessive limb-girdle muscular dystrophy type 2Q; Epidermolysis bullosa simplex, Ogna type; Epidermolysis bullosa simplex with nail dystrophy; Epidermolysis bullosa simplex 5C, with pyloric atresia; Epidermolysis bullosa simplex 5B, with muscular dystrophy. Last evaluated: 2024-08-22. Review status: criteria provided, single submitter. Criteria: Invitae Variant Classification Sherloc (09022015). Collection method: clinical testing. Allele origin: germline.
Comment: This sequence change replaces phenylalanine, which is neutral and non-polar, with leucine, which is neutral and non-polar, at codon 941 of the PLEC protein (p.Phe941Leu). This variant is present in population databases (rs782700884, gnomAD 0.02%). This variant has not been reported in the literature in individuals affected with PLEC-related conditions. Experimental studies and prediction algorithms are not available or were not evaluated, and the functional significance of this variant is currently unknown. In summary, the available evidence is currently insufficient to determine the role of this variant in disease. Therefore, it has been classified as a Variant of Uncertain Significance.

Revvity Omics, Revvity
Classification: Uncertain significance. Last evaluated: 2024-03-28. Review status: criteria provided, single submitter. Criteria: ACMG Guidelines, 2015. Collection method: clinical testing. Allele origin: germline.